The following is an entry in ClinVar:

ClinVar aggregate classification (germline): Conflicting classifications of pathogenicity. Review status: criteria provided, conflicting classifications (1 of 4 stars). 4 submissions from 4 submitters: Pathogenic (2); Uncertain significance (2). Last evaluated 2025-09-24.

Conditions:
Retinitis pigmentosa 88. Identifiers: MedGen C5394208, MONDO:0032940, OMIM 618826.
Occult macular dystrophy (OCMD). Also called: OMD; OCCULT MACULAR DYSTROPHY, SUSCEPTIBILITY TO. Identifiers: Orphanet 247834, MedGen C3150833, MONDO:0013316, OMIM 613587, HP:0030636.

Allele frequency attached by ClinVar (database versions not stated): gnomAD exomes 0.00001 and 0.00009; gnomAD 0.00007 and 0.00008; 1000 Genomes Project 30x 0.00016.
gnomAD v4.1: 24 of 1,396,482 alleles (0.0017%); highest among the groups gnomAD compares: East Asian, 0.092%; no homozygotes.

Submissions (4):

Genesolutions, Medical Genetics Institutes, Ho Chi Minh City, Vietnam
Classification: Pathogenic for Occult macular dystrophy. Last evaluated: 2025-09-24. Review status: criteria provided, single submitter. Criteria: ACMG Guidelines, 2015. Collection method: clinical testing. Allele origin: germline. Affected: yes.

Blueprint Genetics
Classification: Uncertain significance. Last evaluated: 2024-06-28. Review status: criteria provided, single submitter. Criteria: ACMG Guidelines, 2015. Collection method: clinical testing. Allele origin: germline.

School of Computer Science, University of Waterloo
Classification: Pathogenic for Retinitis pigmentosa 88. Last evaluated: 2021-05-06. Review status: criteria provided, single submitter. Criteria: ACMG Guidelines, 2015. Collection method: clinical testing. Allele origin: germline. Affected: no. Observed: 22 variant alleles.
Comment: Evidence categories PVS1, PM2 and PM4 in ACMG guidelines. This is a stop-gained variant in gene RP1L1 that causes a premature termination codon NP_849188.4:p.Leu2177Ter.

Juno Genomics, Hangzhou Juno Genomics, Inc
Classification: Uncertain significance for Occult macular dystrophy; Retinitis pigmentosa 88. Review status: criteria provided, single submitter. Criteria: ACMG Guidelines, 2015. Collection method: clinical testing. Allele origin: germline.
Comment: Null variant in a gene where loss of function (LOF) is a known mechanism of disease.

NM_178857.6(RP1L1):c.6530T>G (p.Leu2177Ter)

Gene: RP1L1 (RP1 like 1). Cytogenetic location: 8p23.1.
Variant type: single nucleotide variant.
Coding change: c.6530T>G on transcript NM_178857.6 (MANE Select); coding-DNA position 6530, T replaced by G.
Protein change: p.Leu2177Ter; replaces leucine 2177 with a stop codon.
Molecular consequence: nonsense.
Genome position (GRCh38, 1-based): chr8:10,607,568, A>C on the plus strand (T>G on the coding strand, the complement: RP1L1 is on the minus strand). VCF-style: chr8-10607568-A-C. GRCh37 (hg19) VCF-style: chr8-10465078-A-C.
Other names: short protein forms L2177*.
Identifiers: ClinVar variation 1065635 (VCV001065635.6), dbSNP rs777475406, ClinGen allele CA4623276.
Genomic context (GRCh38, chr8:10,607,568, plus strand): 5'-TCTATACCTTCTGACTCTGGCTGGGCCTCCCCTTCTGCCTCTGGGGCCTCTACACCTTCT[A>C]ACTCTGGTTGGGCCTCCTCTTCAGCCTCCTGGGCCTCTATACCTTCTGACTCTGGCTGGG-3'